The following is an entry in ClinVar:

NM_012199.5(AGO1):c.465G>A (p.Glu155=)

Gene: AGO1 (argonaute RISC component 1; plus strand). Cytogenetic location: 1p34.3.
Variant type: single nucleotide variant.
Coding change: c.465G>A on transcript NM_012199.5 (MANE Select); coding-DNA position 465, G replaced by A.
Protein change: p.Glu155=; no amino-acid change (glutamic acid 155 retained).
Molecular consequence: synonymous variant.
Genome position (GRCh38, 1-based): chr1:35,893,231, G>A. VCF-style: chr1-35893231-G-A. GRCh37 (hg19) VCF-style: chr1-36358832-G-A.
Other names: c.465G>A, p.Glu155= (NM_001317122.2); c.240G>A, p.Glu80= (NM_001317123.2).
Identifiers: ClinVar variation 3053726 (VCV003053726.2), dbSNP rs146336392, ClinGen allele CA763013.
Genomic context (GRCh38, chr1:35,893,231, plus strand): 5'-TGTGAGCTGGCGAATGCTGCATGAGGCCCTGGTCAGCGGCCAGATCCCTGTTCCCTTGGA[G>A]TCTGTGCAAGCCCTGGATGTGGCCATGAGGCACCTGGCATCCATGAGGTATTGGGTGTAG-3'
Protein context (NP_036331.1, residues 145-165): LVSGQIPVPL[Glu155=]SVQALDVAMR

ClinVar aggregate classification (germline): Likely benign (0 of 4 stars; one submission).

Conditions:
AGO1-related disorder. Also called: AGO1-related condition.

Allele frequency attached by ClinVar (database versions not stated): gnomAD exomes 0.00009; ExAC 0.00024; ESP Exome Variant Server 0.00085; gnomAD 0.00098; 1000 Genomes Project 0.00100; TOPMed 0.00106; 1000 Genomes Project 30x 0.00125.
gnomAD v4.1: 278 of 1,614,150 alleles (0.017%); highest among the groups gnomAD compares: African/African-American, 0.35%; no homozygotes.

Submission:

PreventionGenetics, part of Exact Sciences
Classification: Likely benign for AGO1-related condition. Last evaluated: 2019-08-21. Review status: no assertion criteria provided. Collection method: clinical testing. Allele origin: germline.
Comment: This variant is classified as likely benign based on ACMG/AMP sequence variant interpretation guidelines (Richards et al. 2015 PMID: 25741868, with internal and published modifications).